The following is an entry in ClinVar:

NM_024422.6(DSC2):c.2128A>G (p.Ile710Val)

Gene: DSC2 (desmocollin 2; minus strand). Cytogenetic location: 18q12.1.
Variant type: single nucleotide variant.
Coding change: c.2128A>G on transcript NM_024422.6 (MANE Select); coding-DNA position 2128, A replaced by G.
Protein change: p.Ile710Val; replaces isoleucine 710 with valine.
Molecular consequence: missense variant.
Genome position (GRCh38, 1-based): chr18:31,070,848, T>C on the plus strand (A>G on the coding strand, the complement: DSC2 is on the minus strand). VCF-style: chr18-31070848-T-C. GRCh37 (hg19) VCF-style: chr18-28650814-T-C.
Other names: c.1699A>G, p.Ile567Val (NM_001406506.1, NM_001406507.1); c.2128A>G, p.Ile710Val (NM_004949.5); short protein forms I567V, I710V.
Identifiers: ClinVar variation 3069374 (VCV003069374.1), dbSNP rs780367614, ClinGen allele CA402112587.

ClinVar aggregate classification (germline): Uncertain significance (1 of 4 stars; one submission).

Conditions:
Familial isolated arrhythmogenic right ventricular dysplasia. Identifiers: Orphanet 217656, MedGen C4274968, MONDO:0016342.

Submission:

All of Us Research Program, National Institutes of Health
Classification: Uncertain significance for Familial isolated arrhythmogenic right ventricular dysplasia. Last evaluated: 2023-02-15. Review status: criteria provided, single submitter. Criteria: ACMG Guidelines, 2015. Collection method: clinical testing. Allele origin: germline. Inheritance: Autosomal dominant inheritance. Observed: 1 variant allele, 1 heterozygote.
Comment: This missense variant replaces isoleucine with valine at codon 710 of the DSC2 protein. Computational prediction suggests that this variant may not impact protein structure and function (internally defined REVEL score threshold <= 0.5, PMID: 27666373). To our knowledge, functional studies have not been reported for this variant. This variant has not been reported in individuals affected with cardiovascular disorders in the literature. This variant has not been identified in the general population by the Genome Aggregation Database (gnomAD). The available evidence is insufficient to determine the role of this variant in disease conclusively. Therefore, this variant is classified as a Variant of Uncertain Significance.

This study involves interpretation of variants in research participants for the purpose of population health screening. Participant phenotype was not available at the time of variant classification. Additional details can be found in publication PMID: 35346344, PMCID: PMC8962531